The following is an entry in ClinVar:

ClinVar aggregate classification (germline): Uncertain significance. Review status: criteria provided, multiple submitters, no conflicts (2 of 4 stars). 3 submissions from 3 submitters: Uncertain significance (3). Last evaluated 2022-10-05.

Conditions:
Dilated cardiomyopathy 1JJ (CMD1JJ). Identifiers: Orphanet 154, MedGen C3808935, MONDO:0014095, OMIM 615235.
Cardiovascular phenotype. Identifiers: MedGen CN230736.

Allele frequency attached by ClinVar (database versions not stated): gnomAD exomes 0.00001; ExAC 0.00002; TOPMed 0.00003; ESP Exome Variant Server 0.00008.
gnomAD v4.1: 4 of 1,613,602 alleles (0.00025%); highest among the groups gnomAD compares: African/African-American, 0.0053%; no homozygotes.

Submissions (3):

GeneDx
Classification: Uncertain significance. Last evaluated: 2022-10-05. Review status: criteria provided, single submitter. Criteria: GeneDx Variant Classification Process June 2021. Collection method: clinical testing. Allele origin: germline. Affected: yes.
Comment: Not observed at significant frequency in large population cohorts (gnomAD); In silico analysis supports that this missense variant has a deleterious effect on protein structure/function; Has not been previously published as pathogenic or benign to our knowledge

Labcorp Genetics (formerly Invitae), Labcorp
Classification: Uncertain significance for Dilated cardiomyopathy 1JJ. Last evaluated: 2022-09-27. Review status: criteria provided, single submitter. Criteria: Invitae Variant Classification Sherloc (09022015). Collection method: clinical testing. Allele origin: germline.
Comment: This variant has not been reported in the literature in individuals affected with LAMA4-related conditions. This sequence change replaces isoleucine, which is neutral and non-polar, with serine, which is neutral and polar, at codon 1621 of the LAMA4 protein (p.Ile1621Ser). This variant is present in population databases (rs145001856, gnomAD 0.01%). ClinVar contains an entry for this variant (Variation ID: 1423846). Algorithms developed to predict the effect of missense changes on protein structure and function are either unavailable or do not agree on the potential impact of this missense change (SIFT: "Deleterious"; PolyPhen-2: "Possibly Damaging"; Align-GVGD: "Class C0"). In summary, the available evidence is currently insufficient to determine the role of this variant in disease. Therefore, it has been classified as a Variant of Uncertain Significance.

Ambry Genetics
Classification: Uncertain significance for Cardiovascular phenotype. Last evaluated: 2020-11-24. Review status: criteria provided, single submitter. Criteria: Ambry Variant Classification Scheme 2023. Collection method: clinical testing. Allele origin: germline.
Comment: The p.I1621S variant (also known as c.4862T>G), located in coding exon 34 of the LAMA4 gene, results from a T to G substitution at nucleotide position 4862. The isoleucine at codon 1621 is replaced by serine, an amino acid with dissimilar properties. This amino acid position is not well conserved in available vertebrate species. In addition, this alteration is predicted to be tolerated by in silico analysis. Since supporting evidence is limited at this time, the clinical significance of this alteration remains unclear.

NM_001105206.3(LAMA4):c.4883T>G (p.Ile1628Ser)

Gene: LAMA4 (laminin subunit alpha 4; minus strand). Cytogenetic location: 6q21.
Variant type: single nucleotide variant.
Coding change: c.4883T>G on transcript NM_001105206.3 (MANE Select); coding-DNA position 4883, T replaced by G.
Protein change: p.Ile1628Ser; replaces isoleucine 1628 with serine.
Molecular consequence: missense variant.
Genome position (GRCh38, 1-based): chr6:112,117,837, A>C on the plus strand (T>G on the coding strand, the complement: LAMA4 is on the minus strand). VCF-style: chr6-112117837-A-C. GRCh37 (hg19) VCF-style: chr6-112439040-A-C.
Other names: c.4862T>G, p.Ile1621Ser (NM_001105207.3, NM_002290.5); short protein forms I1621S, I1628S.
Identifiers: ClinVar variation 1423846 (VCV001423846.10), dbSNP rs145001856, ClinGen allele CA3964875.
Genomic context (GRCh38, chr6:112,117,837, plus strand): 5'-CCTGTTTCCATGGGGCCTTCAAAGCAAGGGGTCACACTGAATGTCTGAGAAGCAGAGGTG[A>C]TGGAGGCCCCATTGAGCTGGAGATTGCTGAGACAGCCACTAAAACTGTAGATGGAGTTAA-3'
Protein context (NP_001098676.2, residues 1618-1638): LSNLQLNGAS[Ile1628Ser]TSASQTFSVT